The following is an entry in ClinVar:

ClinVar aggregate classification (germline): Likely benign. Review status: criteria provided, multiple submitters, no conflicts (2 of 4 stars). 2 submissions from 2 submitters: Likely benign (2). Last evaluated 2026-01-13.

Conditions:
AK2-related disorder. Also called: AK2-related condition.
Reticular dysgenesis. Also called: ALEUKOCYTOSIS; CONGENITAL ALEUKIA; HEMATOPOIETIC HYPOPLASIA, GENERALIZED; RETICULAR DYSGENESIA; SEVERE COMBINED IMMUNODEFICIENCY WITH LEUKOPENIA; DeVaal disease. Identifiers: Orphanet 33355, MedGen C0272167, MONDO:0009973, OMIM 267500.

Allele frequency attached by ClinVar (database versions not stated): 1000 Genomes Project 30x 0.00047.

Submissions (2):

Labcorp Genetics (formerly Invitae), Labcorp
Classification: Likely benign for Reticular dysgenesis. Last evaluated: 2026-01-13. Review status: criteria provided, single submitter. Criteria: Invitae Variant Classification Sherloc (09022015). Collection method: clinical testing. Allele origin: germline.

PreventionGenetics, part of Exact Sciences
Classification: Likely benign for AK2-related condition. Last evaluated: 2025-08-25. Review status: criteria provided, single submitter. Criteria: ACMG Guidelines, 2015. Collection method: clinical testing. Allele origin: germline.
Comment: This variant is classified as likely benign based on ACMG/AMP sequence variant interpretation guidelines (Richards et al. 2015 PMID: 25741868, with internal and published modifications).

NM_001625.4(AK2):c.343A>T (p.Met115Leu)

Gene: AK2 (adenylate kinase 2; minus strand). Cytogenetic location: 1p35.1.
Variant type: single nucleotide variant.
Coding change: c.343A>T on transcript NM_001625.4 (MANE Select); coding-DNA position 343, A replaced by T.
Protein change: p.Met115Leu; replaces methionine 115 with leucine.
Molecular consequence: missense variant. On other transcripts: intron variant (1).
Genome position (GRCh38, 1-based): chr1:33,021,449, T>A on the plus strand (A>T on the coding strand, the complement: AK2 is on the minus strand). VCF-style: chr1-33021449-T-A. GRCh37 (hg19) VCF-style: chr1-33487050-T-A.
Other names: c.343A>T, p.Met115Leu (NM_001199199.3, NM_001319141.3, NM_013411.5); c.199A>T, p.Met67Leu (NM_001319139.3, NM_001319140.2); c.217A>T, p.Met73Leu (NM_001319142.3); c.330+144A>T (NM_001319143.2); c.343A>T (NM_001625.3); short protein forms M115L, M67L, M73L.
Identifiers: ClinVar variation 1580969 (VCV001580969.9), dbSNP rs552302095, ClinGen allele CA747173.
Genomic context (GRCh38, chr1:33,021,449, plus strand): 5'-GCAGAGAGTCTGGGATGCTGAATTCAATCACAGAATCAAGCTTCTCTTTCCTCTTCTCCA[T>A]GAGGTCATCGAGCTGTAAAAGAATGTGTGGCCCACCTAAGCTACCAGAGCTTGGTTAGAC-3'
Protein context (NP_001616.1, residues 105-125): VRQAEMLDDL[Met115Leu]EKRKEKLDSV